The following is an entry in ClinVar:

NM_006662.3(SRCAP):c.1493-8C>A

Gene: SRCAP (Snf2 related CREBBP activator protein; plus strand). Cytogenetic location: 16p11.2.
Variant type: single nucleotide variant.
Coding change: c.1493-8C>A on transcript NM_006662.3 (MANE Select); 8 bases into the intron before coding-DNA position 1493, C replaced by A.
Molecular consequence: intron variant.
Genome position (GRCh38, 1-based): chr16:30,711,827, C>A. VCF-style: chr16-30711827-C-A. GRCh37 (hg19) VCF-style: chr16-30723148-C-A.
Identifiers: ClinVar variation 710396 (VCV000710396.17), dbSNP rs184337406, ClinGen allele CA8011018.

ClinVar aggregate classification (germline): Benign/Likely benign. Review status: criteria provided, multiple submitters, no conflicts (2 of 4 stars). 4 submissions from 4 submitters: Benign (2); Likely benign (1). 1 of the submissions does not count toward it. Last evaluated 2026-01-20.

Conditions:
SRCAP-related disorder. Also called: SRCAP-related condition.
Floating-Harbor syndrome (FLHS). Also called: Short stature with delayed bone age, expressive language delay, a triangular face with a prominent nose and deep-set eyes; Pelletier-Leisti syndrome; SRCAP-Related Floating-Harbor Syndrome. Identifiers: Orphanet 2044, MedGen C0729582, MONDO:0007621, OMIM 136140.
Developmental delay, hypotonia, musculoskeletal defects, and behavioral abnormalities. Identifiers: MedGen C5562012, MONDO:0859202, OMIM 619595.

Allele frequency attached by ClinVar (database versions not stated): TOPMed 0.00070; ESP Exome Variant Server 0.00092; 1000 Genomes Project 0.00100; 1000 Genomes Project 30x 0.00125.

Submissions (4):

Labcorp Genetics (formerly Invitae), Labcorp
Classification: Benign. Last evaluated: 2026-01-20. Review status: criteria provided, single submitter. Criteria: Invitae Variant Classification Sherloc (09022015). Collection method: clinical testing. Allele origin: germline.

CeGaT Center for Human Genetics Tuebingen
Classification: Benign. Last evaluated: 2026-01-01. Review status: criteria provided, single submitter. Criteria: CeGaT Center For Human Genetics Tuebingen Variant Classification Criteria Version 2. Collection method: clinical testing. Allele origin: germline. Affected: yes. Observed: 1 variant allele.
Comment: SRCAP: BP4, BS1, BS2

Fulgent Genetics
Classification: Likely benign for Floating-Harbor syndrome; Developmental delay, hypotonia, musculoskeletal defects, and behavioral abnormalities. Last evaluated: 2021-11-16. Review status: criteria provided, single submitter. Criteria: ACMG Guidelines, 2015. Collection method: clinical testing. Allele origin: unknown.

PreventionGenetics, part of Exact Sciences
Classification: Likely benign for SRCAP-related condition. Last evaluated: 2020-05-04. Review status: no assertion criteria provided. Collection method: clinical testing. Allele origin: germline. Not counted in ClinVar's aggregate classification.
Comment: This variant is classified as likely benign based on ACMG/AMP sequence variant interpretation guidelines (Richards et al. 2015 PMID: 25741868, with internal and published modifications).